The following is an entry in ClinVar:

ClinVar aggregate classification (germline): Uncertain significance (0 of 4 stars; one submission).

Conditions:
CYP11A1-related disorder. Also called: CYP11A1-related condition.

Submission:

PreventionGenetics, part of Exact Sciences
Classification: Uncertain significance for CYP11A1-related condition. Last evaluated: 2024-02-22. Review status: no assertion criteria provided. Collection method: clinical testing. Allele origin: germline.
Comment: The CYP11A1 c.309C>A variant is predicted to result in the amino acid substitution p.Asp103Glu. To our knowledge, this variant has not been reported in the literature or in a large population database, indicating this variant is rare. At this time, the clinical significance of this variant is uncertain due to the absence of conclusive functional and genetic evidence.

NM_000781.3(CYP11A1):c.309C>A (p.Asp103Glu)

Gene: CYP11A1 (cytochrome P450 family 11 subfamily A member 1; minus strand). Cytogenetic location: 15q24.1.
Variant type: single nucleotide variant.
Coding change: c.309C>A on transcript NM_000781.3 (MANE Select); coding-DNA position 309, C replaced by A.
Protein change: p.Asp103Glu; replaces aspartic acid 103 with glutamic acid.
Molecular consequence: missense variant. On other transcripts: 5 prime UTR variant (1).
Genome position (GRCh38, 1-based): chr15:74,348,016, G>T on the plus strand (C>A on the coding strand, the complement: CYP11A1 is on the minus strand). VCF-style: chr15-74348016-G-T. GRCh37 (hg19) VCF-style: chr15-74640357-G-T.
Other names: c.-166C>A (NM_001099773.2); short protein forms D103E.
Identifiers: ClinVar variation 3061413 (VCV003061413.2), dbSNP rs2548332512, ClinGen allele CA393150387.